The following is an entry in ClinVar:

ClinVar aggregate classification (germline): Uncertain significance. Review status: criteria provided, multiple submitters, no conflicts (2 of 4 stars). 6 submissions from 6 submitters: Uncertain significance (6). Last evaluated 2025-03-05.

Conditions:
Inborn genetic diseases. Identifiers: MedGen C0950123, MeSH D030342.
Progressive myoclonic epilepsy. Also called: Familial progressive myoclonic epilepsy; Myoclonus epilepsy; Progressive myoclonus epilepsy; Myoclonic Epilepsies, Progressive. Identifiers: Orphanet 308, Orphanet 98261, MedGen C0751778, MONDO:0020074.
Lafora disease. Also called: Epilepsy progressive myoclonic 2; Progressive Myoclonus Epilepsy, Lafora Type. Identifiers: Orphanet 501, MedGen C0751783, MONDO:0009697.

Allele frequency attached by ClinVar (database versions not stated): gnomAD exomes 0.00011; gnomAD 0.00022 and 0.00023; TOPMed 0.00030.
gnomAD v4.1: 517 of 1,309,652 alleles (0.039%); highest among the groups gnomAD compares: Admixed American, 0.047%; 1 homozygote.

Submissions (6):

GeneDx
Classification: Uncertain significance. Last evaluated: 2025-03-05. Review status: criteria provided, single submitter. Criteria: GeneDx Variant Classification Process June 2021. Collection method: clinical testing. Allele origin: germline. Affected: yes.
Comment: In silico analysis indicates that this missense variant does not alter protein structure/function; Has not been previously published as pathogenic or benign to our knowledge

Ambry Genetics
Classification: Uncertain significance for Inborn genetic diseases. Last evaluated: 2025-01-24. Review status: criteria provided, single submitter. Criteria: Ambry Variant Classification Scheme 2023. Collection method: clinical testing. Allele origin: germline.

Blueprint Genetics
Classification: Uncertain significance. Last evaluated: 2024-09-21. Review status: criteria provided, single submitter. Criteria: ACMG Guidelines, 2015. Collection method: clinical testing. Allele origin: germline.

Labcorp Genetics (formerly Invitae), Labcorp
Classification: Uncertain significance for Progressive myoclonic epilepsy. Last evaluated: 2022-11-01. Review status: criteria provided, single submitter. Criteria: Invitae Variant Classification Sherloc (09022015). Collection method: clinical testing. Allele origin: germline.
Comment: This sequence change replaces glycine, which is neutral and non-polar, with aspartic acid, which is acidic and polar, at codon 48 of the EPM2A protein (p.Gly48Asp). This variant is present in population databases (no rsID available, gnomAD 0.04%). This variant has not been reported in the literature in individuals affected with EPM2A-related conditions. ClinVar contains an entry for this variant (Variation ID: 377829). Algorithms developed to predict the effect of missense changes on protein structure and function are either unavailable or do not agree on the potential impact of this missense change (SIFT: "Deleterious"; PolyPhen-2: "Benign"; Align-GVGD: "Class C0"). In summary, the available evidence is currently insufficient to determine the role of this variant in disease. Therefore, it has been classified as a Variant of Uncertain Significance.

Center for Genomics, Ann and Robert H. Lurie Children's Hospital of Chicago
Classification: Uncertain significance for Myoclonic epilepsy of Lafora 1. Last evaluated: 2021-03-30. Review status: criteria provided, single submitter. Criteria: ACMG Guidelines, 2015. Collection method: clinical testing. Allele origin: germline.
Comment: EPM2A NM_005670.3 exon 1 p.Gly48Asp (c.143G>A):This variant has not been reported in the literature but is present in 8/29388 European alleles in the Genome Aggregation Database. This variant is present in ClinVar (Variation ID:377829). Evolutionary conservation and computational predictive tools for this variant are limited or unavailable. In summary, data on this variant is insufficient for disease classification. Therefore, the clinical significance of this variant is uncertain.

Athena Diagnostics
Classification: Uncertain significance. Last evaluated: 2018-09-18. Review status: criteria provided, single submitter. Criteria: Athena Diagnostics Criteria. Collection method: clinical testing. Allele origin: germline.

NM_005670.4(EPM2A):c.143G>A (p.Gly48Asp)

Genes: EPM2A (EPM2A glucan phosphatase, laforin; minus strand), EPM2A-DT (EPM2A divergent transcript; plus strand), LOC129997381 (ATAC-STARR-seq lymphoblastoid silent region 17642; plus strand). Cytogenetic location: 6q24.3.
Variant type: single nucleotide variant.
Coding change: c.143G>A on transcript NM_005670.4 (MANE Select); coding-DNA position 143, G replaced by A.
Protein change: p.Gly48Asp; replaces glycine 48 with aspartic acid.
Molecular consequence: missense variant. On other transcripts: 5 prime UTR variant (3), intron variant (1).
Genome position (GRCh38, 1-based): chr6:145,735,356, C>T on the plus strand (G>A on the coding strand, the complement: EPM2A is on the minus strand). VCF-style: chr6-145735356-C-T. GRCh37 (hg19) VCF-style: chr6-146056492-C-T.
Other names: c.143G>A, p.Gly48Asp (NM_001018041.2, NM_001360057.2, NM_001368130.1); c.-527G>A (NM_001360071.2); c.-481G>A (NM_001368129.2); c.-225G>A (NM_001368131.1); c.-114+552G>A (NM_001360064.2); short protein forms G48D.
Identifiers: ClinVar variation 377829 (VCV000377829.16), dbSNP rs946076987, ClinGen allele CA16605470.